The following is an entry in ClinVar:

NM_006214.4(PHYH):c.544C>G (p.Pro182Ala)

Gene: PHYH (phytanoyl-CoA 2-hydroxylase; minus strand). Cytogenetic location: 10p13.
Variant type: single nucleotide variant.
Coding change: c.544C>G on transcript NM_006214.4 (MANE Select); coding-DNA position 544, C replaced by G.
Protein change: p.Pro182Ala; replaces proline 182 with alanine.
Molecular consequence: missense variant. On other transcripts: intron variant (1).
Genome position (GRCh38, 1-based): chr10:13,288,494, G>C on the plus strand (C>G on the coding strand, the complement: PHYH is on the minus strand). VCF-style: chr10-13288494-G-C. GRCh37 (hg19) VCF-style: chr10-13330494-G-C.
Other names: c.244C>G, p.Pro82Ala (NM_001037537.2, NM_001323080.2); c.550C>G, p.Pro184Ala (NM_001323082.2); c.250C>G, p.Pro84Ala (NM_001323084.2); c.415-4655C>G (NM_001323083.2); short protein forms P182A, P184A, P82A, P84A.
Identifiers: ClinVar variation 1367165 (VCV001367165.8), dbSNP rs773050136, ClinGen allele CA5412323.

ClinVar aggregate classification (germline): Uncertain significance. Review status: criteria provided, multiple submitters, no conflicts (2 of 4 stars). 2 submissions from 2 submitters: Uncertain significance (2). Last evaluated 2024-04-16.

Allele frequency attached by ClinVar (database versions not stated): gnomAD 0.00002; TOPMed 0.00002.
gnomAD v4.1: 18 of 1,614,074 alleles (0.0011%); highest among the groups gnomAD compares: Non-Finnish European, 0.0015%; no homozygotes.

Submissions (2):

Labcorp Genetics (formerly Invitae), Labcorp
Classification: Uncertain significance. Last evaluated: 2024-04-16. Review status: criteria provided, single submitter. Criteria: Invitae Variant Classification Sherloc (09022015). Collection method: clinical testing. Allele origin: germline.
Comment: This sequence change replaces proline, which is neutral and non-polar, with alanine, which is neutral and non-polar, at codon 182 of the PHYH protein (p.Pro182Ala). This variant is present in population databases (rs773050136, gnomAD 0.0009%). This variant has not been reported in the literature in individuals affected with PHYH-related conditions. ClinVar contains an entry for this variant (Variation ID: 1367165). Advanced modeling of protein sequence and biophysical properties (such as structural, functional, and spatial information, amino acid conservation, physicochemical variation, residue mobility, and thermodynamic stability) performed at Invitae indicates that this missense variant is expected to disrupt PHYH protein function with a positive predictive value of 80%. In summary, the available evidence is currently insufficient to determine the role of this variant in disease. Therefore, it has been classified as a Variant of Uncertain Significance.

Blueprint Genetics
Classification: Uncertain significance. Last evaluated: 2022-01-14. Review status: criteria provided, single submitter. Criteria: ACMG Guidelines, 2015. Collection method: clinical testing. Allele origin: germline.